The following is an entry in ClinVar:

ClinVar aggregate classification (germline): Conflicting classifications of pathogenicity. Review status: criteria provided, conflicting classifications (1 of 4 stars). 2 submissions from 2 submitters: Uncertain significance (1); Likely benign (1). Last evaluated 2025-06-03.

Allele frequency attached by ClinVar (database versions not stated): TOPMed below 0.00001.
gnomAD v4.1: 2 of 1,612,838 alleles (0.00012%); highest among the groups gnomAD compares: Admixed American, 0.0017%; no homozygotes.

Submissions (2):

Dasa
Classification: Uncertain significance. Last evaluated: 2025-06-03. Review status: criteria provided, single submitter. Criteria: DASA Assertion Criteria. Collection method: clinical testing. Allele origin: germline.
Comment: NM_194248.3(OTOF):c.3408+8G>A is a splice-region variant. This variant is rare in population databases. Computational prediction algorithms are consistent with a benign effect. The currently available literature and clinical evidence are not sufficient to establish a definitive association between this variant and the reported condition. Therefore, this variant is classified as a variant of uncertain significance.

Labcorp Genetics (formerly Invitae), Labcorp
Classification: Likely benign. Last evaluated: 2023-08-14. Review status: criteria provided, single submitter. Criteria: Invitae Variant Classification Sherloc (09022015). Collection method: clinical testing. Allele origin: germline.

NM_194248.3(OTOF):c.3408+8G>A

Gene: OTOF (otoferlin; minus strand). Cytogenetic location: 2p23.3.
Variant type: single nucleotide variant.
Coding change: c.3408+8G>A on transcript NM_194248.3 (MANE Select); 8 bases into the intron after coding-DNA position 3408, G replaced by A.
Molecular consequence: intron variant.
Genome position (GRCh38, 1-based): chr2:26,473,983, C>T on the plus strand (G>A on the coding strand, the complement: OTOF is on the minus strand). VCF-style: chr2-26473983-C-T. GRCh37 (hg19) VCF-style: chr2-26696851-C-T.
Other names: c.3408+8G>A (NM_001287489.2); c.1167+8G>A (NM_194323.3, NM_004802.4); c.1338+8G>A (NM_194322.3).
Identifiers: ClinVar variation 2904087 (VCV002904087.5), dbSNP rs771739529, ClinGen allele CA1563564.
Genomic context (GRCh38, chr2:26,473,983, plus strand): 5'-AGCCACTTCCCCTCCTGGGTCCTCAGACTCCTCATCCAAAAGGGAAGGGCCACACAGAGC[C>T]CTCGCACCTCCACTCGGTACTTGCTGAGCACGGGCCGGATGCCCATGGGCACGGGCATGA-3'